The following is an entry in ClinVar:

ClinVar aggregate classification (germline): Uncertain significance (1 of 4 stars; one submission).

gnomAD v4.1: 11 of 1,614,122 alleles (0.00068%); highest among the groups gnomAD compares: South Asian, 0.0011%; no homozygotes.

Submission:

Ambry Genetics
Classification: Uncertain significance. Last evaluated: 2025-02-08. Review status: criteria provided, single submitter. Criteria: Ambry Variant Classification Scheme 2023. Collection method: clinical testing. Allele origin: germline.
Comment: The p.K423E variant (also known as c.1267A>G), located in coding exon 1 of the TET2 gene, results from an A to G substitution at nucleotide position 1267. The lysine at codon 423 is replaced by glutamic acid, an amino acid with similar properties. This amino acid position is conserved. In addition, this alteration is predicted to be tolerated by in silico analysis. Based on the available evidence, the clinical significance of this variant remains unclear.

NM_001127208.3(TET2):c.1267A>G (p.Lys423Glu)

Genes: TET2-AS1 (TET2 antisense RNA 1; minus strand), TET2 (tet methylcytosine dioxygenase 2; plus strand). Cytogenetic location: 4q24.
Variant type: single nucleotide variant.
Coding change: c.1267A>G on transcript NM_001127208.3 (MANE Select); coding-DNA position 1267, A replaced by G.
Protein change: p.Lys423Glu; replaces lysine 423 with glutamic acid.
Molecular consequence: missense variant.
Genome position (GRCh38, 1-based): chr4:105,235,209, A>G. VCF-style: chr4-105235209-A-G. GRCh37 (hg19) VCF-style: chr4-106156366-A-G.
Other names: c.1267A>G, p.Lys423Glu (NM_017628.4); short protein forms K423E.
Identifiers: ClinVar variation 3455404 (VCV003455404.2).